The following is an entry in ClinVar:

NM_005051.3(QARS1):c.539A>G (p.Lys180Arg)

Gene: QARS1 (glutaminyl-tRNA synthetase 1; minus strand). Cytogenetic location: 3p21.31.
Variant type: single nucleotide variant.
Coding change: c.539A>G on transcript NM_005051.3 (MANE Select); coding-DNA position 539, A replaced by G.
Protein change: p.Lys180Arg; replaces lysine 180 with arginine.
Molecular consequence: missense variant. On other transcripts: non-coding transcript variant (1).
Genome position (GRCh38, 1-based): chr3:49,102,450, T>C on the plus strand (A>G on the coding strand, the complement: QARS1 is on the minus strand). VCF-style: chr3-49102450-T-C. GRCh37 (hg19) VCF-style: chr3-49139883-T-C.
Other names: c.506A>G, p.Lys169Arg (NM_001272073.2); short protein forms K169R, K180R.
Identifiers: ClinVar variation 1349061 (VCV001349061.8), dbSNP rs1052975324, ClinGen allele CA74477190.
Genomic context (GRCh38, chr3:49,102,450, plus strand): 5'-CAGGGACTCAGGGCCATGCCCATCCCTACCTTGAACTTCTTCTCCAGATCAGCCTCCAAC[T>C]TGGGGCCCAGAAGGTGGAGGACCTGAGCAGAGACCAGAATCAGGCAGAGGCAGGAGTATC-3'
Protein context (NP_005042.1, residues 170-190): DMQVLHLLGP[Lys180Arg]LEADLEKKFK

ClinVar aggregate classification (germline): Uncertain significance (1 of 4 stars; one submission).

Conditions:
Diffuse cerebral and cerebellar atrophy - intractable seizures - progressive microcephaly syndrome. Also called: Microcephaly, progressive, with seizures and cerebral and cerebellar atrophy. Identifiers: Orphanet 404437, MedGen C4014239, MONDO:0014335, OMIM 615760.

Allele frequency attached by ClinVar (database versions not stated): gnomAD 0.00001; TOPMed 0.00001.
gnomAD v4.1: 7 of 1,613,948 alleles (0.00043%); highest among the groups gnomAD compares: South Asian, 0.0011%; no homozygotes.

Submissions (2):

Labcorp Genetics (formerly Invitae), Labcorp
Classification: Uncertain significance for Diffuse cerebral and cerebellar atrophy - intractable seizures - progressive microcephaly syndrome. Last evaluated: 2021-04-12. Review status: criteria provided, single submitter. Criteria: Invitae Variant Classification Sherloc (09022015). Collection method: clinical testing. Allele origin: germline.
Comment: Algorithms developed to predict the effect of sequence changes on RNA splicing suggest that this variant may create or strengthen a splice site, but this prediction has not been confirmed by published transcriptional studies. This sequence change replaces lysine with arginine at codon 180 of the QARS protein (p.Lys180Arg). The lysine residue is highly conserved and there is a small physicochemical difference between lysine and arginine. This variant is not present in population databases (ExAC no frequency). This variant has not been reported in the literature in individuals with QARS-related conditions. Algorithms developed to predict the effect of missense changes on protein structure and function (SIFT, PolyPhen-2, Align-GVGD) all suggest that this variant is likely to be disruptive, but these predictions have not been confirmed by published functional studies and their clinical significance is uncertain. In summary, the available evidence is currently insufficient to determine the role of this variant in disease. Therefore, it has been classified as a Variant of Uncertain Significance.

Dr. Peter K. Rogan Lab, Western University
No classification provided (evidence only). Condition: Cervical cancer. Review status: no classification provided. Collection method: in vitro. Allele origin: not applicable. Functional consequence: retained intron. Not counted in ClinVar's aggregate classification.